The following is an entry in ClinVar:

ClinVar aggregate classification (germline): Uncertain significance (1 of 4 stars; one submission).

Conditions:
Curry-Hall syndrome (WAD). Also called: WEYERS ACRODENTAL DYSOSTOSIS. Identifiers: Orphanet 952, MedGen C0457013, MONDO:0008673, OMIM 193530.
Ellis-van Creveld syndrome (EVC). Also called: MESOECTODERMAL DYSPLASIA; EVC-Related Ellis-van Creveld Syndrome; EVC2-Related Ellis-van Creveld Syndrome; Chondroectodermal dysplasia. Identifiers: Orphanet 289, MedGen C0013903, MONDO:0009162, OMIM 225500.

Allele frequency attached by ClinVar (database versions not stated): TOPMed 0.00001; gnomAD 0.00002.

Submission:

Labcorp Genetics (formerly Invitae), Labcorp
Classification: Uncertain significance for Curry-Hall syndrome; Ellis-van Creveld syndrome. Last evaluated: 2022-07-06. Review status: criteria provided, single submitter. Criteria: Invitae Variant Classification Sherloc (09022015). Collection method: clinical testing. Allele origin: germline.
Comment: This sequence change replaces threonine, which is neutral and polar, with asparagine, which is neutral and polar, at codon 615 of the EVC protein (p.Thr615Asn). This variant is not present in population databases (gnomAD no frequency). This variant has not been reported in the literature in individuals affected with EVC-related conditions. Algorithms developed to predict the effect of missense changes on protein structure and function are either unavailable or do not agree on the potential impact of this missense change (SIFT: "Tolerated"; PolyPhen-2: "Possibly Damaging"; Align-GVGD: "Class C0"). In summary, the available evidence is currently insufficient to determine the role of this variant in disease. Therefore, it has been classified as a Variant of Uncertain Significance.

NM_153717.3(EVC):c.1844C>A (p.Thr615Asn)

Gene: EVC (EvC ciliary complex subunit 1; plus strand). Cytogenetic location: 4p16.2.
Variant type: single nucleotide variant.
Coding change: c.1844C>A on transcript NM_153717.3 (MANE Select); coding-DNA position 1844, C replaced by A.
Protein change: p.Thr615Asn; replaces threonine 615 with asparagine.
Molecular consequence: missense variant.
Genome position (GRCh38, 1-based): chr4:5,793,675, C>A. VCF-style: chr4-5793675-C-A. GRCh37 (hg19) VCF-style: chr4-5795402-C-A.
Other names: c.1844C>A, p.Thr615Asn (NM_001306090.2); short protein forms T615N.
Identifiers: ClinVar variation 2199469 (VCV002199469.1), dbSNP rs1713216342, ClinGen allele CA356141736.